The following is an entry in ClinVar:

ClinVar aggregate classification (germline): Benign (1 of 4 stars; one submission).

gnomAD v4.1: 5,203 of 1,613,960 alleles (0.32%); highest among the groups gnomAD compares: South Asian, 1.5%; 33 homozygotes.

Submission:

CeGaT Center for Human Genetics Tuebingen
Classification: Benign. Last evaluated: 2025-02-01. Review status: criteria provided, single submitter. Criteria: CeGaT Center For Human Genetics Tuebingen Variant Classification Criteria Version 2. Collection method: clinical testing. Allele origin: germline. Affected: yes. Observed: 1 variant allele.
Comment: PRUNE2: BP4, BP7, BS1, BS2

NM_015225.3(PRUNE2):c.3237C>T (p.Tyr1079=)

Gene: PRUNE2 (prune homolog 2 with BCH domain; minus strand). Cytogenetic location: 9q21.2.
Variant type: single nucleotide variant.
Coding change: c.3237C>T on transcript NM_015225.3 (MANE Select); coding-DNA position 3237, C replaced by T.
Protein change: p.Tyr1079=; no amino-acid change (tyrosine 1079 retained).
Molecular consequence: synonymous variant. On other transcripts: non-coding transcript variant (1).
Genome position (GRCh38, 1-based): chr9:76,709,037, G>A on the plus strand (C>T on the coding strand, the complement: PRUNE2 is on the minus strand). VCF-style: chr9-76709037-G-A. GRCh37 (hg19) VCF-style: chr9-79323953-G-A.
Other names: c.3237C>T, p.Tyr1079= (NM_001308047.2, NM_001308048.2).
Identifiers: ClinVar variation 3770636 (VCV003770636.13).